The following is an entry in ClinVar:

NM_053274.3(GLMN):c.*115G>C

Gene: GLMN (glomulin, FKBP associated protein; minus strand). Cytogenetic location: 1p22.1.
Variant type: single nucleotide variant.
Coding change: c.*115G>C on transcript NM_053274.3 (MANE Select); 115 bases downstream of the stop codon, G replaced by C.
Molecular consequence: 3 prime UTR variant. On other transcripts: non-coding transcript variant (1).
Genome position (GRCh38, 1-based): chr1:92,246,415, C>G on the plus strand (G>C on the coding strand, the complement: GLMN is on the minus strand). VCF-style: chr1-92246415-C-G. GRCh37 (hg19) VCF-style: chr1-92711972-C-G.
Other names: c.*115G>C (NM_001319683.2).
Identifiers: ClinVar variation 298125 (VCV000298125.8), dbSNP rs2046620, ClinGen allele CA10610776.

ClinVar aggregate classification (germline): Benign. Review status: criteria provided, multiple submitters, no conflicts (2 of 4 stars). 3 submissions from 3 submitters: Benign (3). Last evaluated 2018-11-12.

Conditions:
Glomuvenous malformation. Also called: GLOMANGIOMAS, MULTIPLE; GLOMUS TUMORS, MULTIPLE; VENOUS MALFORMATIONS WITH GLOMUS CELLS; Familial glomangioma. Identifiers: Orphanet 83454, MedGen C1841984, MONDO:0007672, OMIM 138000.

Allele frequency attached by ClinVar (database versions not stated): gnomAD 0.45929 and 0.47422; TOPMed 0.48052; gnomAD exomes 0.50691; 1000 Genomes Project 30x 0.60696; 1000 Genomes Project 0.61601.
gnomAD v4.1: 318,720 of 638,150 alleles (50%); highest among the groups gnomAD compares: East Asian, 96%; 86,206 homozygotes.

Submissions (3):

GeneDx
Classification: Benign. Last evaluated: 2018-11-12. Review status: criteria provided, single submitter. Criteria: GeneDx Variant Classification Process June 2021. Collection method: clinical testing. Allele origin: germline. Affected: yes.

Illumina Laboratory Services, Illumina
Classification: Benign for Glomuvenous malformation. Last evaluated: 2018-01-13. Review status: criteria provided, single submitter. Criteria: ICSL Variant Classification Criteria 13 December 2019. Collection method: clinical testing. Allele origin: germline.
Comment: This variant was observed in the ICSL laboratory as part of a predisposition screen in an ostensibly healthy population. It had not been previously curated by ICSL or reported in the Human Gene Mutation Database (HGMD: prior to June 1st, 2018), and was therefore a candidate for classification through an automated scoring system. Utilizing variant allele frequency, disease prevalence and penetrance estimates, and inheritance mode, an automated score was calculated to assess if this variant is too frequent to cause the disease. Based on the score and internal cut-off values, a variant classified as benign is not then subjected to further curation. The score for this variant resulted in a classification of benign for this disease.

Breakthrough Genomics
Classification: Benign. Review status: criteria provided, single submitter. Criteria: ACMG Guidelines, 2015. Collection method: not provided. Allele origin: germline. Inheritance: Autosomal dominant inheritance. Affected: yes.